The following is an entry in ClinVar:

ClinVar aggregate classification (germline): Uncertain significance (1 of 4 stars; one submission).

Conditions:
Inborn genetic diseases. Identifiers: MedGen C0950123, MeSH D030342.

Submission:

Ambry Genetics
Classification: Uncertain significance for Inborn genetic diseases. Last evaluated: 2025-10-30. Review status: criteria provided, single submitter. Criteria: Ambry Variant Classification Scheme 2023. Collection method: clinical testing. Allele origin: germline.
Comment: The p.A1198G variant (also known as c.3593C>G), located in coding exon 17 of the MECOM gene, results from a C to G substitution at nucleotide position 3593. The alanine at codon 1198 is replaced by glycine, an amino acid with similar properties. This amino acid position is conserved. In addition, this alteration is predicted to be tolerated by in silico analysis. Based on the available evidence, the clinical significance of this variant remains unclear.

NM_004991.4(MECOM):c.3593C>G (p.Ala1198Gly)

Gene: MECOM (MDS1 and EVI1 complex locus; minus strand). Cytogenetic location: 3q26.2.
Variant type: single nucleotide variant.
Coding change: c.3593C>G on transcript NM_004991.4 (MANE Select); coding-DNA position 3593, C replaced by G.
Protein change: p.Ala1198Gly; replaces alanine 1198 with glycine.
Molecular consequence: missense variant.
Genome position (GRCh38, 1-based): chr3:169,085,036, G>C on the plus strand (C>G on the coding strand, the complement: MECOM is on the minus strand). VCF-style: chr3-169085036-G-C. GRCh37 (hg19) VCF-style: chr3-168802824-G-C.
Other names: c.3224C>G, p.Ala1075Gly (NM_001105077.4); c.3029C>G, p.Ala1010Gly (NM_001105078.4, NM_001205194.2, NM_001366469.2 and 1 more transcripts); c.3005C>G, p.Ala1002Gly (NM_001163999.2, NM_001366470.2); c.3002C>G, p.Ala1001Gly (NM_001164000.2, NM_001366471.2, NM_001366472.2); c.3566C>G, p.Ala1189Gly (NM_001366466.2); c.3032C>G, p.Ala1011Gly (NM_001366467.2, NM_001366468.2); c.2594C>G, p.Ala865Gly (NM_001366473.2); c.2030C>G, p.Ala677Gly (NM_001366474.2); short protein forms A1189G, A865G, A1002G, A1010G, A1075G, A677G, A1011G, A1198G.
Identifiers: ClinVar variation 4624674 (VCV004624674.1).